The following is an entry in ClinVar:

NM_006767.4(LZTR1):c.203G>A (p.Arg68His)

Gene: LZTR1 (leucine zipper like post translational regulator 1; plus strand). Cytogenetic location: 22q11.21.
Variant type: single nucleotide variant.
Coding change: c.203G>A on transcript NM_006767.4 (MANE Select); coding-DNA position 203, G replaced by A.
Protein change: p.Arg68His; replaces arginine 68 with histidine.
Molecular consequence: missense variant.
Genome position (GRCh38, 1-based): chr22:20,983,029, G>A. VCF-style: chr22-20983029-G-A. GRCh37 (hg19) VCF-style: chr22-21337318-G-A.
Other names: short protein forms R68H.
Identifiers: ClinVar variation 1784878 (VCV001784878.7), dbSNP rs1366219004, ClinGen allele CA410778247.
Genomic context (GRCh38, chr22:20,983,029, plus strand): 5'-CCTTGGGTGCCCCCCAGGAGGGTCCTGTCCTTACCGCCCTCCACTCCTTTCTTTCCAGGC[G>A]CAGCAAGCACACAGTGGTGGCCTATAAAGATGCCATTTATGTATTTGGTGGAGACAATGG-3'
Protein context (NP_006758.2, residues 58-78): PPCDEFVGAR[Arg68His]SKHTVVAYKD

ClinVar aggregate classification (germline): Uncertain significance. Review status: criteria provided, multiple submitters, no conflicts (2 of 4 stars). 3 submissions from 3 submitters: Uncertain significance (3). Last evaluated 2025-11-17.

Conditions:
Hereditary cancer-predisposing syndrome. Also called: Neoplastic Syndromes, Hereditary; Tumor predisposition; Hereditary Cancer Syndrome; Hereditary neoplastic syndrome. Identifiers: Orphanet 140162, MedGen C0027672, MeSH D009386, MONDO:0015356.
Cardiovascular phenotype. Identifiers: MedGen CN230736.

Submissions (3):

Labcorp Genetics (formerly Invitae), Labcorp
Classification: Uncertain significance. Last evaluated: 2025-11-17. Review status: criteria provided, single submitter. Criteria: Invitae Variant Classification Sherloc (09022015). Collection method: clinical testing. Allele origin: germline.
Comment: This sequence change replaces arginine, which is basic and polar, with histidine, which is basic and polar, at codon 68 of the LZTR1 protein (p.Arg68His). The frequency data for this variant in the population databases is considered unreliable, as metrics indicate poor data quality at this position in the gnomAD database. This variant has not been reported in the literature in individuals affected with LZTR1-related conditions. ClinVar contains an entry for this variant (Variation ID: 1784878). An algorithm developed to predict the effect of missense changes on protein structure and function (PolyPhen-2) suggests that this variant is likely to be disruptive. In summary, the available evidence is currently insufficient to determine the role of this variant in disease. Therefore, it has been classified as a Variant of Uncertain Significance.

Ambry Genetics
Classification: Uncertain significance for Cardiovascular phenotype; Hereditary cancer-predisposing syndrome. Last evaluated: 2025-03-03. Review status: criteria provided, single submitter. Criteria: Ambry Variant Classification Scheme 2023. Collection method: clinical testing. Allele origin: germline.
Comment: The p.R68H variant (also known as c.203G>A), located in coding exon 2 of the LZTR1 gene, results from a G to A substitution at nucleotide position 203. The arginine at codon 68 is replaced by histidine, an amino acid with highly similar properties. This amino acid position is highly conserved in available vertebrate species. In addition, this alteration is predicted to be deleterious by in silico analysis. Based on the available evidence, the clinical significance of this variant remains unclear.

GeneDx
Classification: Uncertain significance. Last evaluated: 2022-12-22. Review status: criteria provided, single submitter. Criteria: GeneDx Variant Classification Process June 2021. Collection method: clinical testing. Allele origin: germline. Affected: yes.
Comment: Not observed at significant frequency in large population cohorts (gnomAD); In silico analysis supports that this missense variant has a deleterious effect on protein structure/function; Has not been previously published as pathogenic or benign to our knowledge